The following is an entry in ClinVar:

ClinVar aggregate classification (germline): Likely benign. Review status: criteria provided, multiple submitters, no conflicts (2 of 4 stars). 3 submissions from 3 submitters: Likely benign (3). Last evaluated 2025-05-02.

Conditions:
Familial thoracic aortic aneurysm and aortic dissection (TAAD). Also called: Thoracic aortic aneurysms and dissections. Identifiers: Orphanet 91387, MedGen C4707243, MONDO:0019625.
Ehlers-Danlos syndrome, type 4 (EDSVASC). Also called: Ehlers-Danlos syndrome vascular type; Ehlers Danlos syndrome, ecchymotic type; Ehlers Danlos syndrome, arterial type; Ehlers Danlos syndrome, Sack-Barabas type; Ehlers-Danlos Syndrome Type IV. Identifiers: Orphanet 286, MedGen C0268338, MONDO:0017314, OMIM 130050.

Allele frequency attached by ClinVar (database versions not stated): TOPMed below 0.00001; ExAC 0.00001; gnomAD 0.00001; gnomAD exomes 0.00001.
gnomAD v4.1: 4 of 1,613,142 alleles (0.00025%); highest among the groups gnomAD compares: African/African-American, 0.0013%; no homozygotes.

Submissions (3):

Labcorp Genetics (formerly Invitae), Labcorp
Classification: Likely benign for Ehlers-Danlos syndrome, type 4. Last evaluated: 2025-05-02. Review status: criteria provided, single submitter. Criteria: Invitae Variant Classification Sherloc (09022015). Collection method: clinical testing. Allele origin: germline.

All of Us Research Program, National Institutes of Health
Classification: Likely benign for Ehlers-Danlos syndrome, type 4. Last evaluated: 2024-02-05. Review status: criteria provided, single submitter. Criteria: ACMG Guidelines, 2015. Collection method: clinical testing. Allele origin: germline. Inheritance: Autosomal dominant inheritance. Observed: 3 variant alleles, 3 heterozygotes.
Comment: This study involves interpretation of variants in research participants for the purpose of population health screening. Participant phenotype was not available at the time of variant classification. Additional details can be found in publication PMID: 35346344, PMCID: PMC8962531

Color Diagnostics, LLC DBA Color Health
Classification: Likely benign for Familial thoracic aortic aneurysm and aortic dissection. Last evaluated: 2021-02-11. Review status: criteria provided, single submitter. Criteria: ACMG Guidelines, 2015. Collection method: clinical testing. Allele origin: germline.

NM_000090.4(COL3A1):c.1978-12C>T

Gene: COL3A1 (collagen type III alpha 1 chain; plus strand). Cytogenetic location: 2q32.2.
Variant type: single nucleotide variant.
Coding change: c.1978-12C>T on transcript NM_000090.4 (MANE Select); 12 bases into the intron before coding-DNA position 1978, C replaced by T.
Molecular consequence: intron variant.
Genome position (GRCh38, 1-based): chr2:188,998,662, C>T. VCF-style: chr2-188998662-C-T. GRCh37 (hg19) VCF-style: chr2-189863388-C-T.
Identifiers: ClinVar variation 1171701 (VCV001171701.8), dbSNP rs753526966, ClinGen allele CA074871.